The following is an entry in ClinVar:

ClinVar aggregate classification (germline): Pathogenic (0 of 4 stars; one submission).

Submission:

Quest Diagnostics Nichols Institute San Juan Capistrano
Classification: Pathogenic. Last evaluated: 2021-03-01. Review status: no assertion criteria provided. Collection method: clinical testing. Allele origin: germline.
Comment: The 15q13.3 recurrent deletion (D-CHRNA7 to BP5) is expected to cause phenotypic and/or developmental abnormalities. It overlaps the larger region associated with the 15q13.3 microdeletion syndrome (OMIM #612001) and involves intragenic segments of the CHRNA7 and OTUD7A genes. Both are candidate phenotype genes for the 15q13.3 microdeletion syndrome (Uddin et al., Am J Hum Genet. 2018 Feb 1;102(2):278-295., PMID: 29395074; Lowther et al., Genet Med. 2015 Feb;17(2):149-57., PMID: 25077648; Masurel-Paulet et al., Clin Genet. 2010 Aug;78(2):149-61., PMID: 20236110). Focal deletions of CHRNA7 or in combination with OTUD7A are associated with a broad, variable phenotypic range which may include: developmental delay, intellectual disability, autistic spectrum disorder, facial dysmorphism, seizures, and the potential for other clinical issues. Variable expressivity and reduced penetrance are a feature of this copy number loss and a specific phenotype is not predictable (Hoppman-Chaney et al., Clin Genet. 2013 Apr;83(4):345-51., PMID: 22775350; Mikhail et al., Am J Med Genet A. 2011 Oct;155A(10):2386-96., PMID: 22031302; Shinawi et al., Nat Genet. 2009 Dec;41(12):1269-71., PMID: 19898479).

GRCh37/hg19 15q13.3(chr15:32003537-32446830)x1

Gene: CHRNA7 (cholinergic receptor nicotinic alpha 7 subunit). Cytogenetic location: 15q13.3.
Variant type: copy number loss.
Change: copy number 1 (one copy instead of two) of chr15:32,003,537-32,446,830 (443.3 kb, GRCh37 coordinates, 1-based), cytogenetic band 15q13.3.
Identifiers: ClinVar variation 980025 (VCV000980025.2).